The following is an entry in ClinVar:

NM_058216.3(RAD51C):c.966-3C>T

Gene: RAD51C (RAD51 paralog C; plus strand). Cytogenetic location: 17q22.
Variant type: single nucleotide variant.
Coding change: c.966-3C>T on transcript NM_058216.3 (MANE Select); 3 bases into the intron before coding-DNA position 966, C replaced by T.
Molecular consequence: intron variant.
Genome position (GRCh38, 1-based): chr17:58,732,481, C>T. VCF-style: chr17-58732481-C-T. GRCh37 (hg19) VCF-style: chr17-56809842-C-T.
Other names: c.966-3C>T (LRG_314t1).
Identifiers: ClinVar variation 422917 (VCV000422917.16), dbSNP rs1064796091, ClinGen allele CA16620503.

ClinVar aggregate classification (germline): Uncertain significance. Review status: criteria provided, multiple submitters, no conflicts (2 of 4 stars). 4 submissions from 4 submitters: Uncertain significance (4). Last evaluated 2025-06-10.

Conditions:
Hereditary cancer-predisposing syndrome. Also called: Hereditary neoplastic syndrome; Hereditary Cancer Syndrome; Neoplastic Syndromes, Hereditary; Tumor predisposition. Identifiers: Orphanet 140162, MedGen C0027672, MeSH D009386, MONDO:0015356.
Fanconi anemia complementation group O. Also called: RAD51C-Related Fanconi Anemia. Identifiers: Orphanet 84, MedGen C3150653, MONDO:0013248, OMIM 613390.

Submissions (4):

Ambry Genetics
Classification: Uncertain significance for Hereditary cancer-predisposing syndrome. Last evaluated: 2025-06-10. Review status: criteria provided, single submitter. Criteria: Ambry Variant Classification Scheme 2023. Collection method: clinical testing. Allele origin: germline.
Comment: The c.966-3C>T intronic variant results from a C to T substitution 3 nucleotides upstream from coding exon 8 in the RAD51C gene. This nucleotide position is highly conserved in available vertebrate species. In silico splice site analysis predicts that this alteration may weaken the native splice acceptor site; however, direct evidence is insufficient at this time (Ambry internal data). Based on the available evidence, the clinical significance of this variant remains unclear.

Labcorp Genetics (formerly Invitae), Labcorp
Classification: Uncertain significance for Fanconi anemia complementation group O. Last evaluated: 2024-01-27. Review status: criteria provided, single submitter. Criteria: Invitae Variant Classification Sherloc (09022015). Collection method: clinical testing. Allele origin: germline.
Comment: This sequence change falls in intron 7 of the RAD51C gene. It does not directly change the encoded amino acid sequence of the RAD51C protein. It affects a nucleotide within the consensus splice site. This variant is not present in population databases (gnomAD no frequency). This variant has not been reported in the literature in individuals affected with RAD51C-related conditions. ClinVar contains an entry for this variant (Variation ID: 422917). Variants that disrupt the consensus splice site are a relatively common cause of aberrant splicing (PMID: 17576681, 9536098). Studies have shown that this variant is associated with inconclusive levels of altered splicing (Invitae). In summary, the available evidence is currently insufficient to determine the role of this variant in disease. Therefore, it has been classified as a Variant of Uncertain Significance.

Color Diagnostics, LLC DBA Color Health
Classification: Uncertain significance for Hereditary cancer-predisposing syndrome. Last evaluated: 2018-12-03. Review status: criteria provided, single submitter. Criteria: ACMG Guidelines, 2015. Collection method: clinical testing. Allele origin: germline.

GeneDx
Classification: Uncertain significance. Last evaluated: 2018-03-26. Review status: criteria provided, single submitter. Criteria: GeneDx Variant Classification (06012015). Collection method: clinical testing. Allele origin: germline. Affected: yes.
Comment: This variant is denoted RAD51C c.966-3C>T or IVS7-3C>T and consists of a C>T nucleotide substitution at the -3 position of intron 7 of the RAD51C gene. In-silico analysis, which includes splice predictors and evolutionary conservation, supports that this variant does not alter protein structure/function. This variant has not, to our knowledge, been published in the literature as pathogenic or benign. RAD51C c.966-3C>T was not observed in large population cohorts (Lek 2016). Based on currently available information, it is unclear whether RAD51C c.966-3C>T is a pathogenic or benign variant. We consider it to be a variant of uncertain significance.

Literature cited by the submitters: PubMed 17576681 (cited by Labcorp Genetics (formerly Invitae), Labcorp); PubMed 9536098 (cited by Labcorp Genetics (formerly Invitae), Labcorp).